The following is an entry in ClinVar:

ClinVar aggregate classification (germline): Uncertain significance (1 of 4 stars; one submission).

Submission:

Labcorp Genetics (formerly Invitae), Labcorp
Classification: Uncertain significance. Last evaluated: 2022-03-09. Review status: criteria provided, single submitter. Criteria: Invitae Variant Classification Sherloc (09022015). Collection method: clinical testing. Allele origin: germline.
Comment: This variant has not been reported in the literature in individuals affected with ZNF408-related conditions. In summary, the available evidence is currently insufficient to determine the role of this variant in disease. Therefore, it has been classified as a Variant of Uncertain Significance. Algorithms developed to predict the effect of sequence changes on RNA splicing suggest that this variant may create or strengthen a splice site. Algorithms developed to predict the effect of missense changes on protein structure and function output the following: SIFT: "Deleterious"; PolyPhen-2: "Benign"; Align-GVGD: "Class C55". The glycine amino acid residue is found in multiple mammalian species, which suggests that this missense change does not adversely affect protein function. This variant is not present in population databases (gnomAD no frequency). This sequence change replaces serine, which is neutral and polar, with glycine, which is neutral and non-polar, at codon 179 of the ZNF408 protein (p.Ser179Gly).

NM_024741.3(ZNF408):c.535A>G (p.Ser179Gly)

Gene: ZNF408 (zinc finger protein 408; plus strand). Cytogenetic location: 11p11.2.
Variant type: single nucleotide variant.
Coding change: c.535A>G on transcript NM_024741.3 (MANE Select); coding-DNA position 535, A replaced by G.
Protein change: p.Ser179Gly; replaces serine 179 with glycine.
Molecular consequence: missense variant.
Genome position (GRCh38, 1-based): chr11:46,703,126, A>G. VCF-style: chr11-46703126-A-G. GRCh37 (hg19) VCF-style: chr11-46724676-A-G.
Other names: c.511A>G, p.Ser171Gly (NM_001184751.2); short protein forms S171G, S179G.
Identifiers: ClinVar variation 1377513 (VCV001377513.6), dbSNP rs2134507698, ClinGen allele CA380252450.